The following is an entry in ClinVar:

NM_001286445.3(RIPOR2):c.538C>T (p.Arg180Cys)

Gene: RIPOR2 (RHO family interacting cell polarization regulator 2; minus strand). Cytogenetic location: 6p22.3.
Variant type: single nucleotide variant.
Coding change: c.538C>T on transcript NM_001286445.3 (MANE Select); coding-DNA position 538, C replaced by T.
Protein change: p.Arg180Cys; replaces arginine 180 with cysteine.
Molecular consequence: missense variant.
Genome position (GRCh38, 1-based): chr6:24,865,414, G>A on the plus strand (C>T on the coding strand, the complement: RIPOR2 is on the minus strand). VCF-style: chr6-24865414-G-A. GRCh37 (hg19) VCF-style: chr6-24865642-G-A.
Other names: c.553C>T, p.Arg185Cys (NM_001286446.3); c.451C>T, p.Arg151Cys (NM_001286447.2, NM_001346031.2, NM_001346032.2 and 2 more transcripts); short protein forms R151C, R180C, R185C.
Identifiers: ClinVar variation 4083469 (VCV004083469.1).

ClinVar aggregate classification (germline): Uncertain significance (1 of 4 stars; one submission).

gnomAD v4.1: 12 of 1,613,212 alleles (0.00074%); highest among the groups gnomAD compares: South Asian, 0.0066%; no homozygotes.

Submission:

GeneDx
Classification: Uncertain significance. Last evaluated: 2025-03-04. Review status: criteria provided, single submitter. Criteria: GeneDx Variant Classification Process June 2021. Collection method: clinical testing. Allele origin: germline. Affected: yes.
Comment: Not observed at significant frequency in large population cohorts (gnomAD); In silico analysis supports that this missense variant has a deleterious effect on protein structure/function; Has not been previously published as pathogenic or benign to our knowledge